The following is an entry in ClinVar:

ClinVar aggregate classification (germline): Uncertain significance. Review status: criteria provided, multiple submitters, no conflicts (2 of 4 stars). 2 submissions from 2 submitters: Uncertain significance (2). Last evaluated 2024-10-17.

Allele frequency attached by ClinVar (database versions not stated): gnomAD exomes below 0.00001 and 0.00001; gnomAD 0.00001.
gnomAD v4.1: 7 of 1,613,910 alleles (0.00043%); highest among the groups gnomAD compares: Admixed American, 0.0017%; no homozygotes.

Submissions (2):

Blueprint Genetics
Classification: Uncertain significance. Last evaluated: 2024-10-17. Review status: criteria provided, single submitter. Criteria: ACMG Guidelines, 2015. Collection method: clinical testing. Allele origin: germline.

Labcorp Genetics (formerly Invitae), Labcorp
Classification: Uncertain significance. Last evaluated: 2020-02-18. Review status: criteria provided, single submitter. Criteria: Invitae Variant Classification Sherloc (09022015). Collection method: clinical testing. Allele origin: germline.
Comment: This sequence change replaces proline with leucine at codon 454 of the CYP4V2 protein (p.Pro454Leu). The proline residue is highly conserved and there is a moderate physicochemical difference between proline and leucine. This variant is not present in population databases (ExAC no frequency). This variant has not been reported in the literature in individuals with CYP4V2-related conditions. Algorithms developed to predict the effect of missense changes on protein structure and function are either unavailable or do not agree on the potential impact of this missense change (SIFT: "Deleterious"; PolyPhen-2: "Probably Damaging"; Align-GVGD: "Class C0"). In summary, the available evidence is currently insufficient to determine the role of this variant in disease. Therefore, it has been classified as a Variant of Uncertain Significance.

NM_207352.4(CYP4V2):c.1361C>T (p.Pro454Leu)

Gene: CYP4V2 (cytochrome P450 family 4 subfamily V member 2; plus strand). Cytogenetic location: 4q35.2.
Variant type: single nucleotide variant.
Coding change: c.1361C>T on transcript NM_207352.4 (MANE Select); coding-DNA position 1361, C replaced by T.
Protein change: p.Pro454Leu; replaces proline 454 with leucine.
Molecular consequence: missense variant.
Genome position (GRCh38, 1-based): chr4:186,209,228, C>T. VCF-style: chr4-186209228-C-T. GRCh37 (hg19) VCF-style: chr4-187130382-C-T.
Other names: short protein forms P454L.
Identifiers: ClinVar variation 1024335 (VCV001024335.10), dbSNP rs1304803543, ClinGen allele CA358950631.
Genomic context (GRCh38, chr4:186,209,228, plus strand): 5'-CCAACCCCGAGGAGTTCCAGCCTGAGCGGTTCTTCCCCGAGAATGCACAAGGGCGCCATC[C>T]ATATGCCTACGTGCCCTTCTCTGCTGGCCCCAGGAACTGTATAGGTTTGTATCCATCTGA-3'
Protein context (NP_997235.3, residues 444-464): FFPENAQGRH[Pro454Leu]YAYVPFSAGP